The following is an entry in ClinVar:

NM_003742.4(ABCB11):c.2655C>T (p.Asn885=)

Genes: ABCB11 (ATP binding cassette subfamily B member 11; minus strand), LOC126806400 (CDK7 strongly-dependent group 2 enhancer GRCh37_chr2:169791870-169793069; plus strand). Cytogenetic location: 2q31.1.
Variant type: single nucleotide variant.
Coding change: c.2655C>T on transcript NM_003742.4 (MANE Select); coding-DNA position 2655, C replaced by T.
Protein change: p.Asn885=; no amino-acid change (asparagine 885 retained).
Molecular consequence: synonymous variant.
Genome position (GRCh38, 1-based): chr2:168,936,389, G>A on the plus strand (C>T on the coding strand, the complement: ABCB11 is on the minus strand). VCF-style: chr2-168936389-G-A. GRCh37 (hg19) VCF-style: chr2-169792899-G-A.
Other names: c.2655C>T, p.Asn885= (LRG_1199t1); c.2655C>T (NM_003742.2).
Identifiers: ClinVar variation 594754 (VCV000594754.16), dbSNP rs756738723, ClinGen allele CA1951213.
Genomic context (GRCh38, chr2:168,936,389, plus strand): 5'-CAAGATGACCAGGCTCAGCTTCCAGCTAAAGGAGAAGGCAATGATCATGGCCACAGTGAC[G>A]TTAGTGAAGGAATTGACTATCATCCCGATCTGAGAGCCGGCAGCCTGCAAACCAAAAAGC-3'
Protein context (NP_003733.2, residues 875-895): QIGMIVNSFT[Asn885=]VTVAMIIAFS

ClinVar aggregate classification (germline): Conflicting classifications of pathogenicity. Review status: criteria provided, conflicting classifications (1 of 4 stars). 3 submissions from 3 submitters: Uncertain significance (1); Likely benign (2). Last evaluated 2025-11-18.

Conditions:
ABCB11-related disorder. Also called: ABCB11-related condition.

Allele frequency attached by ClinVar (database versions not stated): gnomAD 0.00001 and 0.00003; TOPMed 0.00001.
gnomAD v4.1: 93 of 1,613,904 alleles (0.0058%); highest among the groups gnomAD compares: South Asian, 0.059%; 1 homozygote.

Submissions (3):

Labcorp Genetics (formerly Invitae), Labcorp
Classification: Likely benign. Last evaluated: 2025-11-18. Review status: criteria provided, single submitter. Criteria: Invitae Variant Classification Sherloc (09022015). Collection method: clinical testing. Allele origin: germline.

PreventionGenetics, part of Exact Sciences
Classification: Likely benign for ABCB11-related condition. Last evaluated: 2025-08-13. Review status: criteria provided, single submitter. Criteria: ACMG Guidelines, 2015. Collection method: clinical testing. Allele origin: germline.
Comment: This variant is classified as likely benign based on ACMG/AMP sequence variant interpretation guidelines (Richards et al. 2015 PMID: 25741868, with internal and published modifications).

Eurofins Ntd Llc (ga)
Classification: Uncertain significance. Last evaluated: 2017-11-01. Review status: criteria provided, single submitter. Criteria: EGL Classification Definitions 2015. Collection method: clinical testing. Allele origin: germline. Observed: 1 variant allele, 1 heterozygote.